The following is an entry in ClinVar:

Conditions:
Breast-ovarian cancer, familial, susceptibility to, 1 (BROVCA1). Also called: BRCA1 Hereditary Breast and Ovarian Cancer; OVARIAN CANCER, SUSCEPTIBILITY TO. Identifiers: Orphanet 145, MedGen C2676676, MONDO:0011450, OMIM 604370. Disease mechanism: loss of function.

Submission:

Brotman Baty Institute, University of Washington
No classification provided (evidence only). Condition: Breast-ovarian cancer, familial 1. Review status: no classification provided. Collection method: in vitro. Allele origin: not applicable. Functional consequence: functionally_normal.
ClinVar note: "not provided" was previously submitted as the classification for the variant. However, the classification appeared to be based only on an observation of functional data so it was converted to no classification on 2025-07-30.

NM_007294.4(BRCA1):c.5332+8C>G

Gene: BRCA1 (BRCA1 DNA repair associated; minus strand). Cytogenetic location: 17q21.31.
Variant type: single nucleotide variant.
Coding change: c.5332+8C>G on transcript NM_007294.4 (MANE Select); 8 bases into the intron after coding-DNA position 5332, C replaced by G.
Molecular consequence: intron variant.
Genome position (GRCh38, 1-based): chr17:43,051,055, G>C on the plus strand (C>G on the coding strand, the complement: BRCA1 is on the minus strand). VCF-style: chr17-43051055-G-C. GRCh37 (hg19) VCF-style: chr17-41203072-G-C.
Other names: c.5209+8C>G (NM_001407669.1, NM_001407665.1, NM_001407938.1 and 5 more transcripts); c.2020+8C>G (NM_001407979.1, NM_001407982.1, NM_001407980.1 and 12 more transcripts); c.2023+8C>G (NM_001407977.1, NM_001407976.1, NM_001407974.1 and 3 more transcripts); c.5326+8C>G (NM_001407642.1, NM_001407634.1, NM_001407632.1 and 14 more transcripts); c.5329+8C>G (NM_001407625.1, NM_001407619.1, NM_001407610.1 and 17 more transcripts); c.5278-3352C>G (NM_001407684.1); c.5332+8C>G (NM_001407594.1, NM_001407593.1, NM_001407603.1 and 6 more transcripts); c.5395+8C>G (NM_001407583.1, NM_001407587.1, NM_001407585.1 and 1 more transcripts); and 74 more.
Identifiers: ClinVar variation 865609 (VCV000865609.3), dbSNP rs772616764, ClinGen allele CA916081016.